The following is an entry in ClinVar:

NM_006393.3(NEBL):c.58G>A (p.Glu20Lys)

Gene: NEBL (nebulette; minus strand). Cytogenetic location: 10p12.31.
Variant type: single nucleotide variant.
Coding change: c.58G>A on transcript NM_006393.3 (MANE Select); coding-DNA position 58, G replaced by A.
Protein change: p.Glu20Lys; replaces glutamic acid 20 with lysine.
Molecular consequence: missense variant. On other transcripts: intron variant (9).
Genome position (GRCh38, 1-based): chr10:20,897,148, C>T on the plus strand (G>A on the coding strand, the complement: NEBL is on the minus strand). VCF-style: chr10-20897148-C-T. GRCh37 (hg19) VCF-style: chr10-21186077-C-T.
Other names: c.249+64524G>A (NM_001377326.1, NM_001377327.1, NM_001377328.1); c.357+64524G>A (NM_213569.2, NM_001173484.2, NM_001377322.1); c.300+64524G>A (NM_001377324.1); c.291+64524G>A (NM_001377325.1); c.309+64524G>A (NM_001377323.1); short protein forms E20K.
Identifiers: ClinVar variation 1383256 (VCV001383256.6), dbSNP rs2131413901, ClinGen allele CA376098835.

ClinVar aggregate classification (germline): Uncertain significance (1 of 4 stars; one submission).

Conditions:
Primary dilated cardiomyopathy (DCM). Also called: Dilated Cardiomyopathy. Identifiers: Orphanet 217604, MedGen C0007193, MeSH D002311, MONDO:0005021, HP:0001644. Inheritance: Various modes of inheritance.

Allele frequency attached by ClinVar (database versions not stated): gnomAD exomes below 0.00001.
gnomAD v4.1: 1 of 1,605,350 alleles (0.000062%); highest among the groups gnomAD compares: Non-Finnish European, 0.000085%; no homozygotes.

Submission:

Labcorp Genetics (formerly Invitae), Labcorp
Classification: Uncertain significance for Primary dilated cardiomyopathy. Last evaluated: 2023-10-13. Review status: criteria provided, single submitter. Criteria: Invitae Variant Classification Sherloc (09022015). Collection method: clinical testing. Allele origin: germline.
Comment: This sequence change replaces glutamic acid, which is acidic and polar, with lysine, which is basic and polar, at codon 20 of the NEBL protein (p.Glu20Lys). This variant is not present in population databases (gnomAD no frequency). This variant has not been reported in the literature in individuals affected with NEBL-related conditions. ClinVar contains an entry for this variant (Variation ID: 1383256). Algorithms developed to predict the effect of missense changes on protein structure and function output the following: SIFT: "Not Available"; PolyPhen-2: "Benign"; Align-GVGD: "Not Available". The lysine amino acid residue is found in multiple mammalian species, which suggests that this missense change does not adversely affect protein function. In summary, the available evidence is currently insufficient to determine the role of this variant in disease. Therefore, it has been classified as a Variant of Uncertain Significance.